The following is an entry in ClinVar:

ClinVar aggregate classification (germline): Conflicting classifications of pathogenicity. Review status: criteria provided, conflicting classifications (1 of 4 stars). 5 submissions from 4 submitters: Uncertain significance (3); Benign (1); Likely benign (1). Last evaluated 2026-05-12.

Conditions:
Chilblain lupus 2 (CHBL2). Identifiers: MedGen C3280721, MONDO:0013739, OMIM 614415.
Aicardi-Goutieres syndrome 5. Identifiers: Orphanet 51, MedGen C2749659, MONDO:0013059, OMIM 612952.

Allele frequency attached by ClinVar (database versions not stated): gnomAD 0.00027 and 0.00028; TOPMed 0.00037.
gnomAD v4.1: 429 of 1,612,730 alleles (0.027%); highest among the groups gnomAD compares: Non-Finnish European, 0.022%; no homozygotes.

Submissions (5):

Women's Health and Genetics/Laboratory Corporation of America, LabCorp
Classification: Uncertain significance. Last evaluated: 2026-05-12. Review status: criteria provided, single submitter. Criteria: LabCorp Variant Classification Summary - May 2015. Collection method: clinical testing. Allele origin: germline.
Comment: Variant summary: SAMHD1 c.-10A>G is located in the untranslated mRNA region upstream of the initiation codon. The variant allele was found at a frequency of 0.00034 in 249264 control chromosomes. This frequency is not significantly higher than estimated for disease-causing variants in SAMHD1, allowing no conclusion about variant significance. To our knowledge, no occurrence of c.-10A>G in individuals affected with SAMHD1-related conditions and no experimental evidence demonstrating its impact on protein function have been reported. ClinVar contains an entry for this variant (Variation ID: 338352). Based on the evidence outlined above, the variant was classified as uncertain significance.

Mayo Clinic Laboratories, Mayo Clinic
Classification: Likely benign. Last evaluated: 2025-06-23. Review status: criteria provided, single submitter. Criteria: ACMG Guidelines, 2015. Collection method: clinical testing. Allele origin: germline. Observed: 1 variant allele.
Comment: BS1, BP4, BP7

Blueprint Genetics
Classification: Uncertain significance. Last evaluated: 2024-01-17. Review status: criteria provided, single submitter. Criteria: ACMG Guidelines, 2015. Collection method: clinical testing. Allele origin: germline.

Illumina Laboratory Services, Illumina
Classification: Benign for Chilblain lupus 2. Last evaluated: 2018-01-12. Review status: criteria provided, single submitter. Criteria: ICSL Variant Classification Criteria 13 December 2019. Collection method: clinical testing. Allele origin: germline.
Comment: This variant was observed in the ICSL laboratory as part of a predisposition screen in an ostensibly healthy population. It had not been previously curated by ICSL or reported in the Human Gene Mutation Database (HGMD: prior to June 1st, 2018), and was therefore a candidate for classification through an automated scoring system. Utilizing variant allele frequency, disease prevalence and penetrance estimates, and inheritance mode, an automated score was calculated to assess if this variant is too frequent to cause the disease. Based on the score and internal cut-off values, a variant classified as benign is not then subjected to further curation. The score for this variant resulted in a classification of benign for this disease.

Illumina Laboratory Services, Illumina
Classification: Uncertain significance for Aicardi-Goutieres syndrome 5. Last evaluated: 2018-01-12. Review status: criteria provided, single submitter. Criteria: ICSL Variant Classification Criteria 13 December 2019. Collection method: clinical testing. Allele origin: germline.

NM_015474.4(SAMHD1):c.-10A>G

Gene: SAMHD1 (SAM and HD domain containing deoxynucleoside triphosphate triphosphohydrolase 1; minus strand). Cytogenetic location: 20q11.23.
Variant type: single nucleotide variant.
Coding change: c.-10A>G on transcript NM_015474.4 (MANE Select); 10 bases upstream of the start codon, A replaced by G.
Molecular consequence: 5 prime UTR variant.
Genome position (GRCh38, 1-based): chr20:36,951,653, T>C on the plus strand (A>G on the coding strand, the complement: SAMHD1 is on the minus strand). VCF-style: chr20-36951653-T-C. GRCh37 (hg19) VCF-style: chr20-35580056-T-C.
Other names: c.-10A>G (NM_001363729.2, NM_001363733.2).
Identifiers: ClinVar variation 338352 (VCV000338352.11), dbSNP rs199721283, ClinGen allele CA9844861.